The following is an entry in ClinVar:

NM_001267550.2(TTN):c.40138G>A (p.Glu13380Lys)

Gene: TTN (titin; minus strand). Cytogenetic location: 2q31.2.
Variant type: single nucleotide variant.
Coding change: c.40138G>A on transcript NM_001267550.2 (MANE Select); coding-DNA position 40138, G replaced by A.
Protein change: p.Glu13380Lys; replaces glutamic acid 13380 with lysine.
Molecular consequence: missense variant. On other transcripts: intron variant (5).
Genome position (GRCh38, 1-based): chr2:178,647,384, C>T on the plus strand (G>A on the coding strand, the complement: TTN is on the minus strand). VCF-style: chr2-178647384-C-T. GRCh37 (hg19) VCF-style: chr2-179512111-C-T.
Other names: c.13283-5067G>A (NM_003319.4); c.13859-5067G>A (NM_133437.4); c.13658-5067G>A (NM_133432.3); c.32594-1354G>A (NM_133378.4); c.35375-1354G>A (NM_001256850.1); short protein forms E13380K.
Identifiers: ClinVar variation 4985374 (VCV004985374.1).

ClinVar aggregate classification (germline): Uncertain significance (1 of 4 stars; one submission).

Conditions:
TTN-related disorder. Also called: TTN-related disorders; TTN-related condition; TTN-related disease.

gnomAD v4.1: 1 of 1,549,646 alleles (0.000065%); highest among the groups gnomAD compares: Admixed American, 0.002%; no homozygotes.

Submission:

PreventionGenetics, part of Exact Sciences
Classification: Uncertain significance for TTN-related condition. Last evaluated: 2026-09-23. Review status: criteria provided, single submitter. Criteria: ACMG Guidelines, 2015. Collection method: clinical testing. Allele origin: germline.
Comment: The TTN c.40138G>A variant is predicted to result in the amino acid substitution p.Glu13380Lys. To our knowledge, this variant has not been reported in the literature. This variant has not been reported in a large population database; however, the coverage of this variant should be interpreted with caution. At this time, the clinical significance of this variant is uncertain due to the absence of conclusive functional and genetic evidence.